The following is an entry in ClinVar:

ClinVar aggregate classification (germline): Uncertain significance (1 of 4 stars; one submission).

Conditions:
Inherited breast cancer and ovarian cancer.

Submission:

Genomics and Molecular Medicine Service, East Genomic Laboratory Hub, NHS Genomic Medicine Service
Classification: Uncertain significance for Inherited breast cancer and ovarian cancer. Last evaluated: 2024-11-19. Review status: criteria provided, single submitter. Criteria: ACGS Best Practice Guidelines for Variant Classification in Rare Disease 2020. Collection method: clinical testing. Allele origin: germline. Affected: yes.
Comment: PM2,BP1,BP4

NM_000059.4(BRCA2):c.3901A>C (p.Thr1301Pro)

Gene: BRCA2 (BRCA2 DNA repair associated; plus strand). Cytogenetic location: 13q13.1.
Variant type: single nucleotide variant.
Coding change: c.3901A>C on transcript NM_000059.4 (MANE Select); coding-DNA position 3901, A replaced by C.
Protein change: p.Thr1301Pro; replaces threonine 1301 with proline.
Molecular consequence: missense variant. On other transcripts: non-coding transcript variant (1), intron variant (2).
Genome position (GRCh38, 1-based): chr13:32,338,256, A>C. VCF-style: chr13-32338256-A-C. GRCh37 (hg19) VCF-style: chr13-32912393-A-C.
Other names: c.3901A>C, p.Thr1301Pro (NM_001406719.1, NM_001406720.1, NM_001432077.1); c.1909+4869A>C (NM_001406721.1); c.425-6302A>C (NM_001406722.1); short protein forms T1301P.
Identifiers: ClinVar variation 3906890 (VCV003906890.1).
Genomic context (GRCh38, chr13:32,338,256, plus strand): 5'-AAAACTGTAAGTGAAAAAAATAATAAATGCCAACTGATATTACAAAATAATATTGAAATG[A>C]CTACTGGCACTTTTGTTGAAGAAATTACTGAAAATTACAAGAGAAATACTGAAAATGAAG-3'
Protein context (NP_000050.3, residues 1291-1311): QLILQNNIEM[Thr1301Pro]TGTFVEEITE